The following is an entry in ClinVar:

NM_017668.3(NDE1):c.627G>A (p.Thr209=)

Gene: NDE1 (nudE neurodevelopment protein 1; plus strand). Cytogenetic location: 16p13.11.
Variant type: single nucleotide variant.
Coding change: c.627G>A on transcript NM_017668.3 (MANE Select); coding-DNA position 627, G replaced by A.
Protein change: p.Thr209=; no amino-acid change (threonine 209 retained).
Molecular consequence: synonymous variant.
Genome position (GRCh38, 1-based): chr16:15,691,247, G>A. VCF-style: chr16-15691247-G-A. GRCh37 (hg19) VCF-style: chr16-15785104-G-A.
Other names: c.627G>A (NM_001143979.1); c.627G>A, p.Thr209= (NM_001143979.2).
Identifiers: ClinVar variation 2075186 (VCV002075186.6), dbSNP rs768268553, ClinGen allele CA7920727.

ClinVar aggregate classification (germline): Likely benign. Review status: criteria provided, single submitter (1 of 4 stars). 2 submissions from 2 submitters: Likely benign (1). 1 of the submissions does not count toward it. Last evaluated 2023-04-18.

Conditions:
NDE1-related disorder. Also called: NDE1-related condition; NDE1-Related Disorders.

Allele frequency attached by ClinVar (database versions not stated): gnomAD 0.00004; ExAC 0.00005.
gnomAD v4.1: 80 of 1,614,052 alleles (0.005%); highest among the groups gnomAD compares: Admixed American, 0.022%; no homozygotes.

Submissions (2):

Labcorp Genetics (formerly Invitae), Labcorp
Classification: Likely benign. Last evaluated: 2023-04-18. Review status: criteria provided, single submitter. Criteria: Invitae Variant Classification Sherloc (09022015). Collection method: clinical testing. Allele origin: germline.

PreventionGenetics, part of Exact Sciences
Classification: Likely benign for NDE1-related condition. Last evaluated: 2019-05-31. Review status: no assertion criteria provided. Collection method: clinical testing. Allele origin: germline. Not counted in ClinVar's aggregate classification.
Comment: This variant is classified as likely benign based on ACMG/AMP sequence variant interpretation guidelines (Richards et al. 2015 PMID: 25741868, with internal and published modifications).